The following is an entry in ClinVar:

NM_000360.4(TH):c.1228C>T (p.Arg410Trp)

Gene: TH (tyrosine hydroxylase; minus strand). Cytogenetic location: 11p15.5.
Variant type: single nucleotide variant.
Coding change: c.1228C>T on transcript NM_000360.4 (MANE Select); coding-DNA position 1228, C replaced by T.
Protein change: p.Arg410Trp; replaces arginine 410 with tryptophan.
Molecular consequence: missense variant.
Genome position (GRCh38, 1-based): chr11:2,165,338, G>A on the plus strand (C>T on the coding strand, the complement: TH is on the minus strand). VCF-style: chr11-2165338-G-A. GRCh37 (hg19) VCF-style: chr11-2186568-G-A.
Other names: c.1321C>T, p.Arg441Trp (NM_199292.3); c.1309C>T, p.Arg437Trp (NM_199293.3); short protein forms R441W, R410W, R437W.
Identifiers: ClinVar variation 573670 (VCV000573670.26), dbSNP rs575326605, ClinGen allele CA5818327.
Genomic context (GRCh38, chr11:2,165,338, plus strand): 5'-CTGACTGGTACGTCTGGTCTTGGTAGGGCTGCACGGCCGCAGCCTCAGGGTCGAAGGCCC[G>A]AATCTCAGGCTCCTCAGACAGGCAGTGCTGGCAGGAGGCCAATGGCATCACTGACTCCAC-3'
Protein context (NP_000351.2, residues 400-420): LHCLSEEPEI[Arg410Trp]AFDPEAAAVQ

ClinVar aggregate classification (germline): Conflicting classifications of pathogenicity. Review status: criteria provided, conflicting classifications (1 of 4 stars). 10 submissions from 10 submitters: Pathogenic (2); Likely pathogenic (6); Uncertain significance (2). Last evaluated 2026-01-19.

Conditions:
TH-deficient dopa-responsive dystonia. Also called: Tyrosine Hydroxylase-Deficient Dopa-Responsive Dystonia; Segawa syndrome, autosomal recessive; DYT-TH. Identifiers: Orphanet 101150, MedGen C2673535, MONDO:0011551, OMIM 605407.

Allele frequency attached by ClinVar (database versions not stated): TOPMed 0.00010; 1000 Genomes Project 30x 0.00016; 1000 Genomes Project 0.00020.
gnomAD v4.1: 101 of 1,611,846 alleles (0.0063%); highest among the groups gnomAD compares: Admixed American, 0.077%; no homozygotes.

Submissions (10):

Labcorp Genetics (formerly Invitae), Labcorp
Classification: Pathogenic for TH-deficient dopa-responsive dystonia. Last evaluated: 2026-01-19. Review status: criteria provided, single submitter. Criteria: Invitae Variant Classification Sherloc (09022015). Collection method: clinical testing. Allele origin: germline.
Comment: This sequence change replaces arginine, which is basic and polar, with tryptophan, which is neutral and slightly polar, at codon 441 of the TH protein (p.Arg441Trp). This variant is present in population databases (rs575326605, gnomAD 0.1%). This missense change has been observed in individual(s) with clinical features of TH-related dystonia (PMID: 27619486, 37840187; internal data). In at least one individual the data is consistent with being in trans (on the opposite chromosome) from a pathogenic variant. This variant is also known as c.1228C>T . ClinVar contains an entry for this variant (Variation ID: 573670). Invitae Evidence Modeling of protein sequence and biophysical properties (such as structural, functional, and spatial information, amino acid conservation, physicochemical variation, residue mobility, and thermodynamic stability) indicates that this missense variant is expected to disrupt TH protein function with a positive predictive value of 80%. This variant disrupts the p.Arg441 amino acid residue in TH. Other variant(s) that disrupt this residue have been observed in individuals with TH-related conditions (PMID: 23939262, 27619486), which suggests that this may be a clinically significant amino acid residue. For these reasons, this variant has been classified as Pathogenic.

Natera, Inc.
Classification: Likely pathogenic for Autosomal recessive Segawa syndrome. Last evaluated: 2025-09-29. Review status: criteria provided, single submitter. Criteria: Natera Variant Classification Schema (03/2026). Collection method: clinical testing. Allele origin: germline.
Comment: The c.1321C>T variant in TH is a missense variant predicted to cause substitution of arginine to tryptophan at amino acid 441. The frequency of this variant in the general population is greater than expected for disorder. This variant has been observed in one or more individuals affected with the associated recessive disease, as either homozygous or compound heterozygous with a second variant (PMID: 34054692, 37840187, 27619486). A different variant at the same position has been determined to be Pathogenic or Likely Pathogenic. Computational prediction algorithms indicate this variant is likely to affect gene or protein function. Given the available evidence, this variant is classified as Likely Pathogenic.

Women's Health and Genetics/Laboratory Corporation of America, LabCorp
Classification: Pathogenic for TH-deficient dopa-responsive dystonia. Last evaluated: 2025-05-21. Review status: criteria provided, single submitter. Criteria: LabCorp Variant Classification Summary - May 2015. Collection method: clinical testing. Allele origin: germline.
Comment: Variant summary: TH c.1321C>T (p.Arg441Trp) aka c.1228C>T (p.Arg410Trp) results in a non-conservative amino acid change located in the Aromatic amino acid hydroxylase, C-terminal (IPR019774) of the encoded protein sequence. Algorithms developed to predict the effect of missense changes on protein structure and function all suggest that this variant is likely to be disruptive. The variant allele was found at a frequency of 0.00023 in 248838 control chromosomes. This frequency is not significantly higher than estimated for a pathogenic variant in TH causing Segawa Syndrome, Autosomal Recessive (0.00023 vs 0.0011), allowing no conclusion about variant significance. c.1321C>T has been observed in individual(s) affected with Segawa Syndrome, Autosomal Recessive (Haugarvoll_2011, Yan_2017, Li_2021, Zhang_2023, internal_testing). These data indicate that the variant is likely to be associated with disease. To our knowledge, no experimental evidence demonstrating an impact on protein function has been reported. The following publications have been ascertained in the context of this evaluation (PMID: 23939262, 27619486, 34054692, 37840187). ClinVar contains an entry for this variant (Variation ID: 573670). Based on the evidence outlined above, the variant was classified as pathogenic.

Revvity Omics, Revvity
Classification: Likely pathogenic for TH-deficient dopa-responsive dystonia. Last evaluated: 2024-10-10. Review status: criteria provided, single submitter. Criteria: ACMG Guidelines, 2015. Collection method: clinical testing. Allele origin: germline.

Athena Diagnostics
Classification: Uncertain significance. Last evaluated: 2024-09-30. Review status: criteria provided, single submitter. Criteria: Athena Diagnostics Criteria. Collection method: clinical testing. Allele origin: unknown.
Comment: Available data are insufficient to determine the clinical significance of the variant at this time. The frequency of this variant in the general population is uninformative in assessment of its pathogenicity. This variant has been identified in at least one individual with clinical features associated with this gene. This variant segregates with disease in at least one family. Polyphen and MutationTaster predict this amino acid change may be damaging to the protein.

Fulgent Genetics
Classification: Likely pathogenic for TH-deficient dopa-responsive dystonia. Last evaluated: 2024-04-23. Review status: criteria provided, single submitter. Criteria: ACMG Guidelines, 2015. Collection method: clinical testing. Allele origin: germline.

Baylor Genetics
Classification: Likely pathogenic for TH-deficient dopa-responsive dystonia. Last evaluated: 2024-03-19. Review status: criteria provided, single submitter. Criteria: ACMG Guidelines, 2015. Collection method: clinical testing. Allele origin: unknown.

GeneDx
Classification: Uncertain significance. Last evaluated: 2019-10-26. Review status: criteria provided, single submitter. Criteria: GeneDx Variant Classification Process June 2021. Collection method: clinical testing. Allele origin: germline. Affected: yes.
Comment: In silico analysis, which includes protein predictors and evolutionary conservation, supports a deleterious effect; This variant is associated with the following publications: (PMID: 27619486)

Juno Genomics, Hangzhou Juno Genomics, Inc
Classification: Likely pathogenic for TH-deficient dopa-responsive dystonia. Review status: criteria provided, single submitter. Criteria: ACMG Guidelines, 2015. Collection method: clinical testing. Allele origin: germline.
Comment: Absent from controls (or at extremely low frequency if recessive) in Genome Aggregation Database.;Multiple lines of computational evidence support a deleterious effect on the gene or gene product.;For recessive disorders, detected in trans with a pathogenic variant.;Patient's phenotype or family history is highly specific for a disease with a single genetic etiology.

Neuberg Centre For Genomic Medicine, NCGM
Classification: Likely pathogenic for TH-deficient dopa-responsive dystonia. Review status: criteria provided, single submitter. Criteria: ACMG Guidelines, 2015. Collection method: clinical testing. Allele origin: germline. Inheritance: Autosomal recessive inheritance. Affected: yes.
Comment: The observed missense c.1228C>T(p.Arg410Trp) / c.1321C>T (p.Arg441Trp) variant in TH gene has been reported previously in individual(s) affected with TH associated Segawa Syndrome (Yan YP, et al., 2017). The p.Arg410Trp variant has been reported with allele frequency of 0.02% in gnomAD Exomes. This variant has been reported to the ClinVar database as Pathogenic / Uncertain Significance (multiple submissions). Multiple lines of computational evidences (Polyphen - Probably damaging, SIFT - Damaging and MutationTaster - Disease causing) predict a damaging effect on protein structure and function for this variant. The reference amino acid change at this position on TH gene is predicted as conserved by GERP++ and PhyloP across 100 vertebrates. The amino acid Arg at position 410 is changed to a Trp changing protein sequence and it might alter its composition and physico-chemical properties. Another missense variant [c.1322G>C (p.Arg441Pro] on the same residue of this gene has previously been reported to be disease causing (Haugarvoll K & Bindoff LA., 2011), suggesting that this residue might be of clinical significance. For these reasons, this variant has been classified as Likely Pathogenic.

Literature cited by the submitters: PubMed 27619486 (cited by 4 submitters); PubMed 37840187 (cited by 3 submitters); PubMed 23939262 (cited by Labcorp Genetics (formerly Invitae), Labcorp and Women's Health and Genetics/Laboratory Corporation of America, LabCorp); PubMed 34054692 (cited by 3 submitters).